The following is an entry in ClinVar:

NM_015100.4(POGZ):c.3661C>T (p.Arg1221Cys)

Gene: POGZ (pogo transposable element derived with ZNF domain; minus strand). Cytogenetic location: 1q21.3.
Variant type: single nucleotide variant.
Coding change: c.3661C>T on transcript NM_015100.4 (MANE Select); coding-DNA position 3661, C replaced by T.
Protein change: p.Arg1221Cys; replaces arginine 1221 with cysteine.
Molecular consequence: missense variant.
Genome position (GRCh38, 1-based): chr1:151,405,374, G>A on the plus strand (C>T on the coding strand, the complement: POGZ is on the minus strand). VCF-style: chr1-151405374-G-A. GRCh37 (hg19) VCF-style: chr1-151377850-G-A.
Other names: c.3634C>T, p.Arg1212Cys (NM_001194937.2); c.3475C>T, p.Arg1159Cys (NM_001194938.2); c.3682C>T, p.Arg1228Cys (NM_001410860.1); c.3376C>T, p.Arg1126Cys (NM_145796.4); c.3502C>T, p.Arg1168Cys (NM_207171.2); short protein forms R1126C, R1159C, R1168C, R1212C, R1221C, R1228C.
Identifiers: ClinVar variation 4879253 (VCV004879253.1).

ClinVar aggregate classification (germline): Uncertain significance (1 of 4 stars; one submission).

Conditions:
Intellectual disability-microcephaly-strabismus-behavioral abnormalities syndrome. Also called: White-Sutton Syndrome. Identifiers: Orphanet 468678, MedGen C4225351, MONDO:0014606, OMIM 616364.

gnomAD v4.1: 14 of 1,613,850 alleles (0.00087%); highest among the groups gnomAD compares: Admixed American, 0.013%; no homozygotes.

Submission:

Clinical Genomics Laboratory, Washington University in St. Louis
Classification: Uncertain significance for Intellectual disability-microcephaly-strabismus-behavioral abnormalities syndrome. Last evaluated: 2026-03-19. Review status: criteria provided, single submitter. Criteria: ACMG Guidelines, 2015. Collection method: clinical testing. Allele origin: germline.
Comment: The POGZ c.3661C>T (p.Arg1221Cys) variant, to our knowledge, has not been reported in the medical literature and is only observed in 2/251,050 alleles in the general population (gnomAD v2.1.1), indicating it is not a common variant. Computational predictors suggest that the variant does not impact POGZ function. Due to limited information, and based on ACMG/AMP guidelines for variant interpretation (Richards S et al., PMID: 25741868), the clinical significance of this variant is uncertain at this time.